The following continues an entry in ClinVar:

NM_000053.4(ATP7B):c.2336G>A (p.Trp779Ter)

Gene: ATP7B. ClinVar aggregate classification (germline): Pathogenic. Pathogenic (19).

Submissions 16 to 20 of 20:

Laboratory for Molecular Medicine, Mass General Brigham Personalized Medicine
Classification: Pathogenic for Wilson disease. Last evaluated: 2020-06-11. Review status: criteria provided, single submitter. Criteria: ACMG Guidelines, 2015. Collection method: clinical testing. Allele origin: germline.
Comment: The p.Trp779X variant in ATP7B has been previously reported in several individuals with Wilson disease, including at least 3 homozygotes and 8 compound heterozygotes, and segregated in at least 2 affected family members (Bem 2013, Caca 2001, Coffey 2013, Dong 2016, Moller 2011, Vrabelova 2005, Waldenstrom 1996). It is present in 0.01% (3/25038) of Finnish chromosomes by gnomAD, though this frequency is low enough to be consistent with a recessive carrier frequency. This nonsense variant leads to a premature termination codon at position 779, which is predicted to lead to a truncated or absent protein. Loss of function of the ATP7B gene is an established disease mechanism in autosomal recessive Wilson disease. In summary, this variant meets criteria to be classified as pathogenic for autosomal recessive Wilson disease. ACMG/AMP criteria applied: PVS1, PM3_VeryStrong, PM2, PP1_Moderate.

Women's Health and Genetics/Laboratory Corporation of America, LabCorp
Classification: Pathogenic for Wilson disease. Last evaluated: 2017-11-22. Review status: criteria provided, single submitter. Criteria: LabCorp Variant Classification Summary - May 2015. Collection method: clinical testing. Allele origin: germline.
Comment: Variant summary: The ATP7B c.2336G>A (p.Trp779X) variant results in a premature termination codon, predicted to cause a truncated or absent ATP7B protein due to nonsense mediated decay, which are commonly known mechanisms for disease. This variant was found in 8/246088 control chromosomes (gnomAD) at a frequency of 0.0000325, which does not exceed the estimated maximal expected allele frequency of a pathogenic ATP7B variant (0.0054006). Multiple compound heterozygote and homozygote WD pts have been reported via publications (Vrabelova_2005, Moller_2011). In addition, multiple clinical diagnostic laboratories/reputable databases classified this variant as pathogenic. Taken together, this variant is classified as pathogenic.

Ambry Genetics
Classification: Pathogenic for Inborn genetic diseases. Last evaluated: 2017-06-14. Review status: criteria provided, single submitter. Criteria: Ambry Variant Classification Scheme 2023. Collection method: clinical testing. Allele origin: germline.
Comment: The p.W779* pathogenic mutation (also known as c.2336G>A), located in coding exon 8 of the ATP7B gene, results from a G to A substitution at nucleotide position 2336. This changes the amino acid from a tryptophan to a stop codon within coding exon 8. In two cohorts of individuals with Wilson disease, this mutation was found in greater than 10 alleles; however, complete genotype information was not provided (Gromadzka G et al. Clin. Genet., 2005 Dec;68:524-32; Vrabelova S et al. Mol. Genet. Metab. Jun;86:277-85). In addition to the clinical data presented in the literature, this alteration is expected to result in loss of function by premature protein truncation or nonsense-mediated mRNA decay. As such, this alteration is interpreted as a disease-causing mutation.

Eurofins Ntd Llc (ga)
Classification: Pathogenic. Last evaluated: 2014-06-03. Review status: criteria provided, single submitter. Criteria: EGL Classification Definitions 2015. Collection method: clinical testing. Allele origin: germline. Observed: 2 variant alleles, 2 heterozygotes.

ClinVar Staff, National Center for Biotechnology Information (NCBI)
No classification provided. Condition: Wilson's disease. Review status: no classification provided. Collection method: not provided. Allele origin: not provided. Not counted in ClinVar's aggregate classification.

Literature cited by the submitters: PubMed 21610751 (cited by 6 submitters); PubMed 23982005 (cited by 5 submitters); PubMed 10441329 (cited by Labcorp Genetics (formerly Invitae), Labcorp); PubMed 16283883 (cited by Labcorp Genetics (formerly Invitae), Labcorp and Ambry Genetics); PubMed 8938442 (cited by 6 submitters); PubMed 34470610 (cited by Mayo Clinic Laboratories, Mayo Clinic); PubMed 23518715 (cited by 4 submitters); PubMed 24517292 (cited by 3 submitters); PubMed 36966606 (cited by Center for Genomic Medicine, Rigshospitalet, Copenhagen University Hospital); PubMed 11690702 (cited by 3 submitters); PubMed 15202786 (cited by All of Us Research Program, National Institutes of Health and Color Diagnostics, LLC DBA Color Health); PubMed 15967699 (cited by 6 submitters); PubMed 18371106 (cited by All of Us Research Program, National Institutes of Health and Color Diagnostics, LLC DBA Color Health); PubMed 20958917 (cited by All of Us Research Program, National Institutes of Health and Color Diagnostics, LLC DBA Color Health); PubMed 27022412 (cited by 3 submitters).